The following is an entry in ClinVar:

NM_000748.3(CHRNB2):c.1257G>A (p.Pro419=)

Gene: CHRNB2 (cholinergic receptor nicotinic beta 2 subunit; plus strand). Cytogenetic location: 1q21.3.
Variant type: single nucleotide variant.
Coding change: c.1257G>A on transcript NM_000748.3 (MANE Select); coding-DNA position 1257, G replaced by A.
Protein change: p.Pro419=; no amino-acid change (proline 419 retained).
Molecular consequence: synonymous variant.
Genome position (GRCh38, 1-based): chr1:154,572,080, G>A. VCF-style: chr1-154572080-G-A. GRCh37 (hg19) VCF-style: chr1-154544556-G-A.
Identifiers: ClinVar variation 379101 (VCV000379101.17), dbSNP rs199743038, ClinGen allele CA16603410.

ClinVar aggregate classification (germline): Likely benign. Review status: criteria provided, multiple submitters, no conflicts (2 of 4 stars). 4 submissions from 4 submitters: Likely benign (4). Last evaluated 2025-04-01.

Conditions:
Familial sleep-related hypermotor epilepsy. Also called: Autosomal Dominant Sleep-Related Hypermotor (Hyperkinetic) Epilepsy. Identifiers: Orphanet 98784, MedGen C3696898, MONDO:0000030.

gnomAD v4.1: 12 of 1,535,764 alleles (0.00078%); highest among the groups gnomAD compares: East Asian, 0.0098%; no homozygotes.

Submissions (4):

CeGaT Center for Human Genetics Tuebingen
Classification: Likely benign. Last evaluated: 2025-04-01. Review status: criteria provided, single submitter. Criteria: CeGaT Center For Human Genetics Tuebingen Variant Classification Criteria Version 2. Collection method: clinical testing. Allele origin: germline. Affected: yes. Observed: 1 variant allele.
Comment: CHRNB2: BP4, BP7

Blueprint Genetics
Classification: Likely benign. Last evaluated: 2024-09-16. Review status: criteria provided, single submitter. Criteria: ACMG Guidelines, 2015. Collection method: clinical testing. Allele origin: germline.

Labcorp Genetics (formerly Invitae), Labcorp
Classification: Likely benign. Last evaluated: 2023-09-27. Review status: criteria provided, single submitter. Criteria: Invitae Variant Classification Sherloc (09022015). Collection method: clinical testing. Allele origin: germline.

GeneDx
Classification: Likely benign. Last evaluated: 2015-11-04. Review status: criteria provided, single submitter. Criteria: GeneDx Variant Classification (06012015). Collection method: clinical testing. Allele origin: germline. Affected: yes.
Comment: This variant is considered likely benign or benign based on one or more of the following criteria: it is a conservative change, it occurs at a poorly conserved position in the protein, it is predicted to be benign by multiple in silico algorithms, and/or has population frequency not consistent with disease.